The following is an entry in ClinVar:

ClinVar aggregate classification (germline): Pathogenic. Review status: criteria provided, multiple submitters, no conflicts (2 of 4 stars). 7 submissions from 7 submitters: Pathogenic (6). 1 of the submissions does not count toward it. Last evaluated 2025-01-07.

Conditions:
Primary hyperoxaluria. Identifiers: Orphanet 416, MedGen C0020501, MONDO:0002474.
Primary hyperoxaluria, type I (HP1). Also called: GLYCOLIC ACIDURIA; HEPATIC AGT DEFICIENCY; Primary hyperoxaluria type 1; OXALOSIS I. Identifiers: Orphanet 416, Orphanet 93598, MedGen C0268164, MONDO:0009823, OMIM 259900. Disease mechanism: loss of function.

Allele frequency attached by ClinVar (database versions not stated): gnomAD 0.00001; ExAC 0.00002; gnomAD exomes 0.00001; TOPMed 0.00001.
gnomAD v4.1: 19 of 1,613,980 alleles (0.0012%); highest among the groups gnomAD compares: Non-Finnish European, 0.0015%; no homozygotes.

Submissions (7):

Greenwood Genetic Center Diagnostic Laboratories, Greenwood Genetic Center
Classification: Pathogenic for Primary hyperoxaluria, type I. Last evaluated: 2025-01-07. Review status: criteria provided, single submitter. Criteria: ACMG Guidelines, 2015. Collection method: clinical testing. Allele origin: germline. Affected: yes.
Comment: PVS1, PS3_Moderate, PM2, PM3_Supporting

Natera, Inc.
Classification: Pathogenic for Primary hyperoxaluria type I. Last evaluated: 2024-03-20. Review status: criteria provided, single submitter. Criteria: Natera Variant Classification Schema (03/2026). Collection method: clinical testing. Allele origin: germline.
Comment: The c.846+1G>T variant in AGXT is a canonical splice donor site variant predicted to affect pre-mRNA splicing, which may result in an abnormal transcript and altered protein product. This variant is expected to result in nonsense mediated decay, truncation, or a dysfunctional protein product. This variant is rare in the general population with a frequency below the threshold expected for the associated phenotype(s). This variant has been observed in one or more individuals affected with the associated recessive disease, as either homozygous or compound heterozygous with a second variant (PMID: 35812297, 31078535, 25629080). Given the available evidence, this variant is classified as Pathogenic.

Fulgent Genetics
Classification: Pathogenic for Primary hyperoxaluria, type I. Last evaluated: 2024-02-10. Review status: criteria provided, single submitter. Criteria: ACMG Guidelines, 2015. Collection method: clinical testing. Allele origin: germline.

Baylor Genetics
Classification: Pathogenic for Primary hyperoxaluria, type I. Last evaluated: 2024-01-26. Review status: criteria provided, single submitter. Criteria: ACMG Guidelines, 2015. Collection method: clinical testing. Allele origin: unknown.

Labcorp Genetics (formerly Invitae), Labcorp
Classification: Pathogenic. Last evaluated: 2023-07-12. Review status: criteria provided, single submitter. Criteria: Invitae Variant Classification Sherloc (09022015). Collection method: clinical testing. Allele origin: germline.
Comment: This sequence change affects a donor splice site in intron 8 of the AGXT gene. It is expected to disrupt RNA splicing. Variants that disrupt the donor or acceptor splice site typically lead to a loss of protein function (PMID: 16199547), and loss-of-function variants in AGXT are known to be pathogenic (PMID: 19479957). This variant is present in population databases (rs180177281, gnomAD 0.003%). Disruption of this splice site has been observed in individuals with primary hyperoxaluria type 1 (PMID: 15110324, 25296721, 25629080). This variant is also known as IVS8+1G>T. ClinVar contains an entry for this variant (Variation ID: 204159). Algorithms developed to predict the effect of sequence changes on RNA splicing suggest that this variant may disrupt the consensus splice site. For these reasons, this variant has been classified as Pathogenic.

Women's Health and Genetics/Laboratory Corporation of America, LabCorp
Classification: Pathogenic for Primary hyperoxaluria. Last evaluated: 2022-10-10. Review status: criteria provided, single submitter. Criteria: LabCorp Variant Classification Summary - May 2015. Collection method: clinical testing. Allele origin: germline.
Comment: Variant summary: AGXT c.846+1G>T is located in a canonical splice-site and is predicted to affect mRNA splicing resulting in a significantly altered protein due to either exon skipping, shortening, or inclusion of intronic material. Several computational tools predict a significant impact on normal splicing: Four predict the variant abolishes the canonical 5' splicing donor site. However, these predictions have yet to be confirmed by functional studies. The variant allele was found at a frequency of 1.2e-05 in 251086 control chromosomes (gnomAD). c.846+1G>T has been reported in the literature as a compound heterozygous genotype in multiple individuals affected with Primary Hyperoxaluria Type 1 (e.g. Coulter-Mackie_2004, Monico_2007, Williams_2015). These data indicate that the variant is very likely to be associated with disease. Two clinical diagnostic laboratories have submitted clinical-significance assessments for this variant to ClinVar after 2014 without evidence for independent evaluation. Both laboratories classified the variant as pathogenic. Based on the evidence outlined above, the variant was classified as pathogenic.

Clinical Biochemistry Laboratory, Health Services Laboratory
Classification: Pathogenic for Primary hyperoxaluria, type I. Last evaluated: 2014-11-27. Review status: no assertion criteria provided. Collection method: research. Allele origin: germline. Affected: yes. Not counted in ClinVar's aggregate classification.

Literature cited by the submitters: PubMed 35812297 (cited by Natera, Inc.); PubMed 31078535 (cited by Natera, Inc.); PubMed 25629080 (cited by 3 submitters); PubMed 16199547 (cited by Labcorp Genetics (formerly Invitae), Labcorp); PubMed 19479957 (cited by Labcorp Genetics (formerly Invitae), Labcorp); PubMed 15110324 (cited by 3 submitters); PubMed 25296721 (cited by Labcorp Genetics (formerly Invitae), Labcorp); PubMed 17460142 (cited by Women's Health and Genetics/Laboratory Corporation of America, LabCorp).

NM_000030.3(AGXT):c.846+1G>T

Gene: AGXT (alanine--glyoxylate aminotransferase; plus strand). Cytogenetic location: 2q37.3.
Variant type: single nucleotide variant.
Coding change: c.846+1G>T on transcript NM_000030.3 (MANE Select); the canonical splice donor site of the intron after coding-DNA position 846, G replaced by T.
Molecular consequence: splice donor variant.
Genome position (GRCh38, 1-based): chr2:240,876,005, G>T. VCF-style: chr2-240876005-G-T. GRCh37 (hg19) VCF-style: chr2-241815422-G-T.
Identifiers: ClinVar variation 204159 (VCV000204159.18), dbSNP rs180177281, ClinGen allele CA275799.